The following is an entry in ClinVar:

NM_002335.4(LRP5):c.2609G>A (p.Arg870Gln)

Gene: LRP5 (LDL receptor related protein 5; plus strand). Cytogenetic location: 11q13.2.
Variant type: single nucleotide variant.
Coding change: c.2609G>A on transcript NM_002335.4 (MANE Select); coding-DNA position 2609, G replaced by A.
Protein change: p.Arg870Gln; replaces arginine 870 with glutamine.
Molecular consequence: missense variant.
Genome position (GRCh38, 1-based): chr11:68,413,794, G>A. VCF-style: chr11-68413794-G-A. GRCh37 (hg19) VCF-style: chr11-68181262-G-A.
Other names: c.2609G>A (NM_002335.2); c.866G>A, p.Arg289Gln (NM_001291902.2); short protein forms R870Q, R289Q.
Identifiers: ClinVar variation 962968 (VCV000962968.12), dbSNP rs774814837, ClinGen allele CA6149697.

ClinVar aggregate classification (germline): Uncertain significance. Review status: criteria provided, multiple submitters, no conflicts (2 of 4 stars). 4 submissions from 4 submitters: Uncertain significance (4). Last evaluated 2026-01-21.

Conditions:
Inborn genetic diseases. Identifiers: MedGen C0950123, MeSH D030342.
LRP5-related disorder. Also called: LRP5-related condition.
Osteoporosis. Identifiers: MedGen C0029456, MONDO:0005298, OMIM 166710, HP:0000939.
Osteoporosis with pseudoglioma (OPPG). Also called: osteoporosis-pseudoglioma syndrome. Identifiers: Orphanet 2788, MedGen C0432252, MONDO:0009820, OMIM 259770.
Polycystic liver disease 4 with or without kidney cysts. Identifiers: MedGen C4693479, MONDO:0044327, OMIM 617875.
Worth disease. Also called: OSTEOSCLEROSIS, AUTOSOMAL DOMINANT; ENDOSTEAL HYPEROSTOSIS, AUTOSOMAL DOMINANT; Autosomal dominant osteosclerosis, Worth type. Identifiers: Orphanet 2790, MedGen C0432273, MONDO:0007764, OMIM 144750.
Exudative vitreoretinopathy 4 (EVR4). Identifiers: Orphanet 891, MedGen C1866176, MONDO:0011151, OMIM 601813.
Bone mineral density quantitative trait locus 1 (BMND1). Identifiers: MedGen C1866079, OMIM 601884.
Autosomal dominant osteopetrosis 1 (OPTA1). Also called: OSTEOPETROSIS, AUTOSOMAL DOMINANT, TYPE I. Identifiers: Orphanet 2783, MedGen C1843330, MONDO:0011877, OMIM 607634.
Exudative vitreoretinopathy 1 (EVR1). Also called: FEVR, AUTOSOMAL DOMINANT; Familial exudative vitreoretinopathy, autosomal dominant; CRISWICK-SCHEPENS SYNDROME. Identifiers: Orphanet 891, Orphanet 90050, MedGen C1851402, MONDO:0007589, OMIM 133780.

Allele frequency attached by ClinVar (database versions not stated): gnomAD exomes 0.00001; ExAC 0.00002; TOPMed 0.00002; gnomAD 0.00001.
gnomAD v4.1: 12 of 1,613,352 alleles (0.00074%); highest among the groups gnomAD compares: African/African-American, 0.0027%; no homozygotes.

Submissions (4):

Ambry Genetics
Classification: Uncertain significance for Inborn genetic diseases. Last evaluated: 2026-01-21. Review status: criteria provided, single submitter. Criteria: Ambry Variant Classification Scheme 2023. Collection method: clinical testing. Allele origin: germline.

PreventionGenetics, part of Exact Sciences
Classification: Uncertain significance for LRP5-related condition. Last evaluated: 2025-07-16. Review status: criteria provided, single submitter. Criteria: ACMG Guidelines, 2015. Collection method: clinical testing. Allele origin: germline.
Comment: The LRP5 c.2609G>A variant is predicted to result in the amino acid substitution p.Arg870Gln. To our knowledge, this variant has not been reported in the literature. This variant is reported in 0.0040% of alleles in individuals of African descent in gnomAD. At this time, the clinical significance of this variant is uncertain due to the absence of conclusive functional and genetic evidence.

Labcorp Genetics (formerly Invitae), Labcorp
Classification: Uncertain significance. Last evaluated: 2024-05-20. Review status: criteria provided, single submitter. Criteria: Invitae Variant Classification Sherloc (09022015). Collection method: clinical testing. Allele origin: germline.
Comment: This sequence change replaces arginine, which is basic and polar, with glutamine, which is neutral and polar, at codon 870 of the LRP5 protein (p.Arg870Gln). This variant is present in population databases (rs774814837, gnomAD 0.004%). This variant has not been reported in the literature in individuals affected with LRP5-related conditions. ClinVar contains an entry for this variant (Variation ID: 962968). Advanced modeling of protein sequence and biophysical properties (such as structural, functional, and spatial information, amino acid conservation, physicochemical variation, residue mobility, and thermodynamic stability) has been performed at Invitae for this missense variant, however the output from this modeling did not meet the statistical confidence thresholds required to predict the impact of this variant on LRP5 protein function. In summary, the available evidence is currently insufficient to determine the role of this variant in disease. Therefore, it has been classified as a Variant of Uncertain Significance.

Fulgent Genetics
Classification: Uncertain significance for Exudative vitreoretinopathy 1; Worth disease; Osteoporosis; Osteoporosis with pseudoglioma; Exudative vitreoretinopathy 4; Bone mineral density quantitative trait locus 1; Autosomal dominant osteopetrosis 1; Polycystic liver disease 4 with or without kidney cysts. Last evaluated: 2022-03-30. Review status: criteria provided, single submitter. Criteria: ACMG Guidelines, 2015. Collection method: clinical testing. Allele origin: unknown.